The following is an entry in ClinVar:

NM_022124.6(CDH23):c.5053A>G (p.Ile1685Val)

Gene: CDH23 (cadherin related 23; plus strand). Cytogenetic location: 10q22.1.
Variant type: single nucleotide variant.
Coding change: c.5053A>G on transcript NM_022124.6 (MANE Select); coding-DNA position 5053, A replaced by G.
Protein change: p.Ile1685Val; replaces isoleucine 1685 with valine.
Molecular consequence: missense variant.
Genome position (GRCh38, 1-based): chr10:71,777,887, A>G. VCF-style: chr10-71777887-A-G. GRCh37 (hg19) VCF-style: chr10-73537644-A-G.
Other names: c.5053A>G (NM_022124.5); short protein forms I1685V.
Identifiers: ClinVar variation 2155975 (VCV002155975.4), dbSNP rs368570272, ClinGen allele CA5545613.

ClinVar aggregate classification (germline): Uncertain significance. Review status: criteria provided, multiple submitters, no conflicts (2 of 4 stars). 3 submissions from 3 submitters: Uncertain significance (3). Last evaluated 2024-03-30.

Conditions:
Inborn genetic diseases. Identifiers: MedGen C0950123, MeSH D030342.

gnomAD v4.1: 36 of 1,613,924 alleles (0.0022%); highest among the groups gnomAD compares: South Asian, 0.033%; 1 homozygote.

Submissions (3):

Ambry Genetics
Classification: Uncertain significance for Inborn genetic diseases. Last evaluated: 2024-03-30. Review status: criteria provided, single submitter. Criteria: Ambry Variant Classification Scheme 2023. Collection method: clinical testing. Allele origin: germline.

Labcorp Genetics (formerly Invitae), Labcorp
Classification: Uncertain significance. Last evaluated: 2024-01-18. Review status: criteria provided, single submitter. Criteria: Invitae Variant Classification Sherloc (09022015). Collection method: clinical testing. Allele origin: germline.
Comment: This sequence change replaces isoleucine, which is neutral and non-polar, with valine, which is neutral and non-polar, at codon 1685 of the CDH23 protein (p.Ile1685Val). This variant is present in population databases (rs368570272, gnomAD 0.05%). This variant has not been reported in the literature in individuals affected with CDH23-related conditions. ClinVar contains an entry for this variant (Variation ID: 2155975). Advanced modeling of protein sequence and biophysical properties (such as structural, functional, and spatial information, amino acid conservation, physicochemical variation, residue mobility, and thermodynamic stability) performed at Invitae indicates that this missense variant is not expected to disrupt CDH23 protein function with a negative predictive value of 95%. In summary, the available evidence is currently insufficient to determine the role of this variant in disease. Therefore, it has been classified as a Variant of Uncertain Significance.

Laboratory for Molecular Medicine, Mass General Brigham Personalized Medicine
Classification: Uncertain significance. Last evaluated: 2023-08-24. Review status: criteria provided, single submitter. Criteria: ACMG Guidelines, 2015. Collection method: clinical testing. Allele origin: germline.
Comment: The p.Ile1685Val variant in CDH23 has not been previously reported in individuals with hearing loss and was absent from large population studies. This variant has also been reported in ClinVar (Variation ID 2155975). Computational prediction tools and conservation analyses do not provide strong support for or against an impact to the protein. In summary, the clinical significance of this variant is uncertain. ACMG/AMP Criteria applied: PM2_Supporting.